The following is an entry in ClinVar:

NM_017871.6(INTS11):c.1738-1G>A

Gene: INTS11 (integrator complex subunit 11; minus strand). Cytogenetic location: 1p36.33.
Variant type: single nucleotide variant.
Coding change: c.1738-1G>A on transcript NM_017871.6 (MANE Select); the canonical splice acceptor site of the intron before coding-DNA position 1738, G replaced by A.
Molecular consequence: splice acceptor variant.
Genome position (GRCh38, 1-based): chr1:1,311,925, C>T on the plus strand (G>A on the coding strand, the complement: INTS11 is on the minus strand). VCF-style: chr1-1311925-C-T. GRCh37 (hg19) VCF-style: chr1-1247305-C-T.
Other names: c.1435-1G>A (NM_001256463.2); c.1651-1G>A (NM_001256460.2); c.1444-1G>A (NM_001256462.2); c.1756-1G>A (NM_001256456.2).
Identifiers: ClinVar variation 4851696 (VCV004851696.1).
Genomic context (GRCh38, chr1:1,311,925, plus strand): 5'-GGGGGCCTGGGGGAGGCCCTTCTTCAGCAGAGATGTGAGGAAGCTCCCCAGCTCCTCGTC[C>T]TAGGGCAGAGGCAAAAGCATTGTGGGTGGTGCAGGACAGGGAGGAATGTTGATACCTGTG-3'

ClinVar aggregate classification (germline): Likely pathogenic (1 of 4 stars; one submission).

Conditions:
Neurodevelopmental disorder with motor and language delay, ocular defects, and brain abnormalities (NEDMLOB). Identifiers: MedGen C5830596, MONDO:0957386, OMIM 620428.

gnomAD v4.1: 4 of 1,581,906 alleles (0.00025%); highest among the groups gnomAD compares: African/African-American, 0.0014%; no homozygotes.

Submission:

Greenwood Genetic Center Diagnostic Laboratories, Greenwood Genetic Center
Classification: Likely pathogenic for Neurodevelopmental disorder with motor and language delay, ocular defects, and brain abnormalities. Last evaluated: 2025-03-04. Review status: criteria provided, single submitter. Criteria: ACMG Guidelines, 2015. Collection method: clinical testing. Allele origin: germline. Affected: yes.
Comment: PM2, PP3_Strong